The following is an entry in ClinVar:

NM_058163.3(TSR2):c.318T>C (p.Ala106=)

Gene: TSR2 (TSR2 ribosome maturation factor; plus strand). Cytogenetic location: Xp11.22.
Variant type: single nucleotide variant.
Coding change: c.318T>C on transcript NM_058163.3 (MANE Select); coding-DNA position 318, T replaced by C.
Protein change: p.Ala106=; no amino-acid change (alanine 106 retained).
Molecular consequence: synonymous variant.
Genome position (GRCh38, 1-based): chrX:54,444,061, T>C. VCF-style: chrX-54444061-T-C. GRCh37 (hg19) VCF-style: chrX-54470494-T-C.
Other names: c.309T>C, p.Ala103= (NM_001346789.2); c.33T>C, p.Ala11= (NM_001346790.2, NM_001346791.2, NM_001346792.2).
Identifiers: ClinVar variation 2163892 (VCV002163892.29), dbSNP rs766021494, ClinGen allele CA10424835.

ClinVar aggregate classification (germline): Benign/Likely benign. Review status: criteria provided, multiple submitters, no conflicts (2 of 4 stars). 3 submissions from 3 submitters: Benign (1); Likely benign (2). Last evaluated 2025-12-06.

Allele frequency attached by ClinVar (database versions not stated): TOPMed 0.00006; gnomAD 0.00011; gnomAD exomes 0.00015; ExAC 0.00024.
gnomAD v4.1: 180 of 1,210,513 alleles (0.015%); highest among the groups gnomAD compares: Middle Eastern, 0.46%; 1 homozygote.

Submissions (3):

Labcorp Genetics (formerly Invitae), Labcorp
Classification: Benign. Last evaluated: 2025-12-06. Review status: criteria provided, single submitter. Criteria: Invitae Variant Classification Sherloc (09022015). Collection method: clinical testing. Allele origin: germline.

Blueprint Genetics
Classification: Likely benign. Last evaluated: 2024-08-21. Review status: criteria provided, single submitter. Criteria: ACMG Guidelines, 2015. Collection method: clinical testing. Allele origin: germline.

CeGaT Center for Human Genetics Tuebingen
Classification: Likely benign. Last evaluated: 2022-11-01. Review status: criteria provided, single submitter. Criteria: CeGaT Center For Human Genetics Tuebingen Variant Classification Criteria Version 2. Collection method: clinical testing. Allele origin: germline. Affected: yes. Observed: 1 variant allele.
Comment: TSR2: BP4, BP7, BS2